The following is an entry in ClinVar:

ClinVar aggregate classification (germline): Uncertain significance. Review status: criteria provided, multiple submitters, no conflicts (2 of 4 stars). 3 submissions from 3 submitters: Uncertain significance (3). Last evaluated 2025-02-25.

Conditions:
Polyposis syndrome, hereditary mixed, 2. Identifiers: Orphanet 157794, MedGen C1864730, MONDO:0012405, OMIM 610069.
Juvenile polyposis syndrome (JPS). Identifiers: Orphanet 2929, MedGen C0345893, MONDO:0017380, OMIM 174900.

Submissions (3):

Quest Diagnostics Nichols Institute San Juan Capistrano
Classification: Uncertain significance. Last evaluated: 2025-02-25. Review status: criteria provided, single submitter. Criteria: Quest Diagnostics criteria. Collection method: clinical testing. Allele origin: unknown.
Comment: The BMPR1A c.979G>A (p.Asp327Asn) variant has not been reported in individuals with BMPR1A-related conditions in the published literature. It also has not been reported in large, multi-ethnic general populations (Genome Aggregation Database). Analysis of this variant using bioinformatics tools for the prediction of the effect of amino acid changes on protein structure and function yielded conflicting predictions that this variant is benign or damaging. Based on the available information, we are unable to determine the clinical significance of this variant.

Labcorp Genetics (formerly Invitae), Labcorp
Classification: Uncertain significance for Juvenile polyposis syndrome. Last evaluated: 2024-10-22. Review status: criteria provided, single submitter. Criteria: Invitae Variant Classification Sherloc (09022015). Collection method: clinical testing. Allele origin: germline.
Comment: This sequence change replaces aspartic acid, which is acidic and polar, with asparagine, which is neutral and polar, at codon 327 of the BMPR1A protein (p.Asp327Asn). This variant is not present in population databases (gnomAD no frequency). This variant has not been reported in the literature in individuals affected with BMPR1A-related conditions. ClinVar contains an entry for this variant (Variation ID: 997670). Invitae Evidence Modeling of protein sequence and biophysical properties (such as structural, functional, and spatial information, amino acid conservation, physicochemical variation, residue mobility, and thermodynamic stability) has been performed for this missense variant. However, the output from this modeling did not meet the statistical confidence thresholds required to predict the impact of this variant on BMPR1A protein function. In summary, the available evidence is currently insufficient to determine the role of this variant in disease. Therefore, it has been classified as a Variant of Uncertain Significance.

Baylor Genetics
Classification: Uncertain significance for Polyposis syndrome, hereditary mixed, 2. Last evaluated: 2019-07-05. Review status: criteria provided, single submitter. Criteria: ACMG Guidelines, 2015. Collection method: clinical testing. Allele origin: unknown. Affected: yes. Study: CSER-TexasKidsCanSeq.
Comment: This variant was determined to be of uncertain significance according to ACMG Guidelines, 2015 [PMID:25741868].

NM_004329.3(BMPR1A):c.979G>A (p.Asp327Asn)

Gene: BMPR1A (bone morphogenetic protein receptor type 1A; plus strand). Cytogenetic location: 10q23.2.
Variant type: single nucleotide variant.
Coding change: c.979G>A on transcript NM_004329.3 (MANE Select); coding-DNA position 979, G replaced by A.
Protein change: p.Asp327Asn; replaces aspartic acid 327 with asparagine.
Molecular consequence: missense variant.
Genome position (GRCh38, 1-based): chr10:86,919,282, G>A. VCF-style: chr10-86919282-G-A. GRCh37 (hg19) VCF-style: chr10-88679039-G-A.
Other names: short protein forms D327N.
Identifiers: ClinVar variation 997670 (VCV000997670.8), dbSNP rs1843624502, ClinGen allele CA377460375.